The following is an entry in ClinVar:

NM_015631.6(TCTN3):c.627G>A (p.Arg209=)

Gene: TCTN3 (tectonic family member 3; minus strand). Cytogenetic location: 10q24.1.
Variant type: single nucleotide variant.
Coding change: c.627G>A on transcript NM_015631.6 (MANE Select); coding-DNA position 627, G replaced by A.
Protein change: p.Arg209=; no amino-acid change (arginine 209 retained).
Molecular consequence: synonymous variant. On other transcripts: intron variant (1).
Genome position (GRCh38, 1-based): chr10:95,687,592, C>T on the plus strand (G>A on the coding strand, the complement: TCTN3 is on the minus strand). VCF-style: chr10-95687592-C-T. GRCh37 (hg19) VCF-style: chr10-97447349-C-T.
Other names: c.500-433G>A (NM_001143973.2).
Identifiers: ClinVar variation 1384739 (VCV001384739.3), dbSNP rs752918067, ClinGen allele CA5621112.
Genomic context (GRCh38, chr10:95,687,592, plus strand): 5'-GCTGTCTGCTGTGAGAGTAAAAACTAAACCAAACAATCCCATCCCCTTCCCCAGGCTCAC[C>T]CTGTAAAAAGATGGTGGTGATTGAGTTTGGAATGTTGAAGTGAATGATTCGCCTCCAAAC-3'
Protein context (NP_056446.4, residues 199-219): FQTQSPPSFY[Arg209=]AGDPILTYFP

ClinVar aggregate classification (germline): Uncertain significance (1 of 4 stars; one submission).

Conditions:
Joubert syndrome 18 (JBTS18). Identifiers: Orphanet 2754, MedGen C3553758, MONDO:0013896, OMIM 614815.
Orofacial-digital syndrome IV (OFD4). Also called: BARAITSER-BURN SYNDROME; MOHR-MAJEWSKI SYNDROME; OFD SYNDROME WITH TIBIAL DEFECTS; OFD SYNDROME, BARAITSER-BURN TYPE; OFDS IV; ORAL-FACIAL-DIGITAL SYNDROME, TYPE IV. Identifiers: Orphanet 2753, MedGen C0406727, MONDO:0009794, OMIM 258860.

Allele frequency attached by ClinVar (database versions not stated): gnomAD exomes below 0.00001 and 0.00001; ExAC 0.00002.
gnomAD v4.1: 2 of 1,612,960 alleles (0.00012%); highest among the groups gnomAD compares: Admixed American, 0.0017%; no homozygotes.

Submission:

Labcorp Genetics (formerly Invitae), Labcorp
Classification: Uncertain significance for Joubert syndrome 18; Orofacial-digital syndrome IV. Last evaluated: 2022-08-10. Review status: criteria provided, single submitter. Criteria: Invitae Variant Classification Sherloc (09022015). Collection method: clinical testing. Allele origin: germline.
Comment: This sequence change affects codon 209 of the TCTN3 mRNA. It is a 'silent' change, meaning that it does not change the encoded amino acid sequence of the TCTN3 protein. This variant also falls at the last nucleotide of exon 4, which is part of the consensus splice site for this exon. This variant is present in population databases (rs752918067, gnomAD 0.003%). This variant has not been reported in the literature in individuals affected with TCTN3-related conditions. ClinVar contains an entry for this variant (Variation ID: 1384739). Variants that disrupt the consensus splice site are a relatively common cause of aberrant splicing (PMID: 17576681, 9536098). Algorithms developed to predict the effect of sequence changes on RNA splicing suggest that this variant may disrupt the consensus splice site. In summary, the available evidence is currently insufficient to determine the role of this variant in disease. Therefore, it has been classified as a Variant of Uncertain Significance.

Literature cited by the submitters: PubMed 17576681; PubMed 9536098.